The following is an entry in ClinVar:

ClinVar aggregate classification (germline): Pathogenic (1 of 4 stars; one submission).

Conditions:
Neurofibromatosis, type 1 (NF1). Also called: Peripheral type neurofibromatosis; VON RECKLINGHAUSEN DISEASE; NEUROFIBROMATOSIS, TYPE I, SOMATIC; Neurofibromatosis, type I. Identifiers: Orphanet 636, MedGen C0027831, MONDO:0018975, OMIM 162200. Disease mechanism: loss of function.

Submission:

Labcorp Genetics (formerly Invitae), Labcorp
Classification: Pathogenic for Neurofibromatosis, type 1. Last evaluated: 2022-10-03. Review status: criteria provided, single submitter. Criteria: Invitae Variant Classification Sherloc (09022015). Collection method: clinical testing. Allele origin: germline.
Comment: For these reasons, this variant has been classified as Pathogenic. A similar copy number variant has been observed in individual(s) with clinical features of neurofibromatosis type 1 (PMID: 25166435). This variant is a gross deletion of the genomic region encompassing exon(s) 1-12 of the NF1 gene, which includes the initiator codon. This deletion extends beyond the assayed region for this gene and therefore may encompass additional genes. It is expected to result in an absent or disrupted protein product. Loss-of-function variants in NF1 are known to be pathogenic (PMID: 10712197, 23913538).

Literature cited by the submitters: PubMed 25166435; PubMed 10712197; PubMed 23913538.

NC_000017.10:g.(?_29422055)_(29533409_?)del

Gene: NF1 (neurofibromin 1; plus strand). Cytogenetic location: 17q11.2.
Variant type: Deletion.
Identifiers: ClinVar variation 2422713 (VCV002422713.4).